The following is an entry in ClinVar:

ClinVar aggregate classification (germline): Likely benign. Review status: criteria provided, multiple submitters, no conflicts (2 of 4 stars). 2 submissions from 2 submitters: Likely benign (2). Last evaluated 2025-03-14.

Conditions:
Pheochromocytoma/paraganglioma syndrome 3. Also called: GLOMUS TUMORS, FAMILIAL, 3; Paragangliomas 3; SDHC-Related Hereditary Paraganglioma-Pheochromocytoma Syndrome (Paragangliomas 3); SDHC-Related Hereditary Paraganglioma-Pheochromocytoma Syndrome. Identifiers: Orphanet 29072, MedGen C1854336, MONDO:0011544, OMIM 605373.

Allele frequency attached by ClinVar (database versions not stated): gnomAD exomes below 0.00001; TOPMed below 0.00001.
gnomAD v4.1: 25 of 1,610,444 alleles (0.0016%); highest among the groups gnomAD compares: Non-Finnish European, 0.0021%; no homozygotes.

Submissions (2):

Myriad Genetics, Inc.
Classification: Likely benign for Pheochromocytoma/paraganglioma syndrome 3. Last evaluated: 2025-03-14. Review status: criteria provided, single submitter. Criteria: Myriad Autosomal Dominant, Autosomal Recessive and X-Linked Classification Criteria (2023). Collection method: clinical testing. Allele origin: unknown.
Comment: This variant is considered likely benign. This variant is intronic and is not expected to impact mRNA splicing.

Center for Genomic Medicine, Rigshospitalet, Copenhagen University Hospital
Classification: Likely benign. Last evaluated: 2025-03-04. Review status: criteria provided, single submitter. Criteria: ACMG Guidelines, 2015. Collection method: clinical testing. Allele origin: germline.

NM_003001.5(SDHC):c.21-14C>T

Gene: SDHC (succinate dehydrogenase complex subunit C; plus strand). Cytogenetic location: 1q23.3.
Variant type: single nucleotide variant.
Coding change: c.21-14C>T on transcript NM_003001.5 (MANE Select); 14 bases into the intron before coding-DNA position 21, C replaced by T.
Molecular consequence: intron variant.
Genome position (GRCh38, 1-based): chr1:161,323,600, C>T. VCF-style: chr1-161323600-C-T. GRCh37 (hg19) VCF-style: chr1-161293390-C-T.
Other names: c.-91-14C>T (NM_001407119.1); c.-209-14C>T (NM_001407120.1); c.21-14C>T (NM_001407115.1, NM_001035511.3, NM_001035512.3 and 2 more transcripts); c.21-4796C>T (NM_001407116.1, NM_001407121.1, NM_001407117.1); c.20+9175C>T (NM_001035513.3).
Identifiers: ClinVar variation 1697955 (VCV001697955.8), dbSNP rs1450437203, ClinGen allele CA526858373.